The following is an entry in ClinVar:

ClinVar aggregate classification (germline): Likely benign (1 of 4 stars; one submission).

gnomAD v4.1: 6 of 1,613,802 alleles (0.00037%); highest among the groups gnomAD compares: South Asian, 0.0066%; no homozygotes.

Submission:

Women's Health and Genetics/Laboratory Corporation of America, LabCorp
Classification: Likely benign. Last evaluated: 2024-03-08. Review status: criteria provided, single submitter. Criteria: LabCorp Variant Classification Summary - May 2015. Collection method: clinical testing. Allele origin: germline.
Comment: Variant summary: APOB c.6918A>C alters a non-conserved nucleotide resulting in a synonymous change. Consensus agreement among computation tools predict no significant impact on normal splicing. However, these predictions have yet to be confirmed by functional studies. The variant allele was found at a frequency of 1.2e-05 in 251014 control chromosomes (gnomAD). The available data on variant occurrences in the general population are insufficient to allow any conclusion about variant significance. To our knowledge, no occurrence of c.6918A>C in individuals affected with Early Onset Coronary Artery Disease or other APOB-related disorders and no experimental evidence demonstrating its impact on protein function have been reported. No submitters have cited clinical-significance assessments for this variant to ClinVar. Based on the evidence outlined above, the variant was classified as likely benign.

NM_000384.3(APOB):c.6918A>C (p.Ser2306=)

Gene: APOB (apolipoprotein B; minus strand). Cytogenetic location: 2p24.1.
Variant type: single nucleotide variant.
Coding change: c.6918A>C on transcript NM_000384.3 (MANE Select); coding-DNA position 6918, A replaced by C.
Protein change: p.Ser2306=; no amino-acid change (serine 2306 retained).
Molecular consequence: synonymous variant.
Genome position (GRCh38, 1-based): chr2:21,009,950, T>G on the plus strand (A>C on the coding strand, the complement: APOB is on the minus strand). VCF-style: chr2-21009950-T-G. GRCh37 (hg19) VCF-style: chr2-21232822-T-G.
Identifiers: ClinVar variation 3233567 (VCV003233567.2), dbSNP rs764563895, ClinGen allele CA063755.
Genomic context (GRCh38, chr2:21,009,950, plus strand): 5'-CCCAATAAGATTTATAACAAAGTGTTTGACATGCTCAAGAATGTCATTTATTCTTTCAAA[T>G]GAAATTGTAGTTCCCAATTGATCTAAAAGCACTCTAACATCAATAGCCTCAATGTGTTGT-3'
Protein context (NP_000375.3, residues 2296-2316): VLLDQLGTTI[Ser2306=]FERINDILEH